The following is an entry in ClinVar:

NM_033100.4(CDHR1):c.1508C>T (p.Pro503Leu)

Gene: CDHR1 (cadherin related family member 1; plus strand). Cytogenetic location: 10q23.1.
Variant type: single nucleotide variant.
Coding change: c.1508C>T on transcript NM_033100.4 (MANE Select); coding-DNA position 1508, C replaced by T.
Protein change: p.Pro503Leu; replaces proline 503 with leucine.
Molecular consequence: missense variant.
Genome position (GRCh38, 1-based): chr10:84,211,670, C>T. VCF-style: chr10-84211670-C-T. GRCh37 (hg19) VCF-style: chr10-85971426-C-T.
Other names: c.1508C>T, p.Pro503Leu (NM_001171971.3); short protein forms P503L.
Identifiers: ClinVar variation 1495595 (VCV001495595.8), dbSNP rs2132828994, ClinGen allele CA377377174.
Genomic context (GRCh38, chr10:84,211,670, plus strand): 5'-AAAGAGGCACGTGCCACCCAGGGCTCTTTCTCTTCCAGGCTGTGGATCCAGATACAGGAC[C>T]CTGGGGCGAAGTGAAATATTCCACCTATGGGACTGGGGCAGACCTGTAAGTAGATCCAGA-3'
Protein context (NP_149091.1, residues 493-513): AVTAVDPDTG[Pro503Leu]WGEVKYSTYG

ClinVar aggregate classification (germline): Uncertain significance (1 of 4 stars; one submission).

Submission:

Labcorp Genetics (formerly Invitae), Labcorp
Classification: Uncertain significance. Last evaluated: 2022-06-13. Review status: criteria provided, single submitter. Criteria: Invitae Variant Classification Sherloc (09022015). Collection method: clinical testing. Allele origin: germline.
Comment: In summary, the available evidence is currently insufficient to determine the role of this variant in disease. Therefore, it has been classified as a Variant of Uncertain Significance. Advanced modeling of protein sequence and biophysical properties (such as structural, functional, and spatial information, amino acid conservation, physicochemical variation, residue mobility, and thermodynamic stability) performed at Invitae indicates that this missense variant is not expected to disrupt CDHR1 protein function. This variant has not been reported in the literature in individuals affected with CDHR1-related conditions. This variant is not present in population databases (gnomAD no frequency). This sequence change replaces proline, which is neutral and non-polar, with leucine, which is neutral and non-polar, at codon 503 of the CDHR1 protein (p.Pro503Leu).